The following is an entry in ClinVar:

NM_018062.4(FANCL):c.1115G>C (p.Gly372Ala)

Genes: FANCL (FA complementation group L; minus strand), VRK2 (VRK serine/threonine kinase 2; plus strand). Cytogenetic location: 2p16.1.
Variant type: single nucleotide variant.
Coding change: c.1115G>C on transcript NM_018062.4 (MANE Select); coding-DNA position 1115, G replaced by C.
Protein change: p.Gly372Ala; replaces glycine 372 with alanine.
Molecular consequence: missense variant. On other transcripts: 3 prime UTR variant (9).
Genome position (GRCh38, 1-based): chr2:58,159,778, C>G on the plus strand (G>C on the coding strand, the complement: FANCL is on the minus strand). VCF-style: chr2-58159778-C-G. GRCh37 (hg19) VCF-style: chr2-58386913-C-G.
Other names: c.1130G>C, p.Gly377Ala (NM_001114636.2); c.1160G>C, p.Gly387Ala (NM_001374615.1); c.1175G>C, p.Gly392Ala (NM_001410792.1); c.*85C>G (NM_001130480.2, NM_001130481.2, NM_001130482.2 and 4 more transcripts); c.*470C>G (NM_001130483.2, NM_001288838.2); short protein forms G372A, G377A, G387A, G392A.
Identifiers: ClinVar variation 241246 (VCV000241246.17), dbSNP rs149803148, ClinGen allele CA1670292.

ClinVar aggregate classification (germline): Likely benign. Review status: criteria provided, multiple submitters, no conflicts (2 of 4 stars). 5 submissions from 5 submitters: Likely benign (5). Last evaluated 2026-01-28.

Conditions:
Fanconi anemia (FA). Also called: Fanconi's anemia. Identifiers: Orphanet 84, MedGen C0015625, MeSH D005199, MONDO:0019391.
Fanconi anemia complementation group L (FANCL). Also called: FANCL-Related Fanconi Anemia. Identifiers: Orphanet 84, MedGen C3469528, MONDO:0013566, OMIM 614083.

Allele frequency attached by ClinVar (database versions not stated): gnomAD exomes 0.00009 and 0.00037; ExAC 0.00038; ESP Exome Variant Server 0.00062; gnomAD 0.00118 and 0.00121; TOPMed 0.00134; 1000 Genomes Project 30x 0.00219; 1000 Genomes Project 0.00220.
gnomAD v4.1: 329 of 1,613,072 alleles (0.02%); highest among the groups gnomAD compares: African/African-American, 0.37%; 1 homozygote.

Submissions (5):

Labcorp Genetics (formerly Invitae), Labcorp
Classification: Likely benign for Fanconi anemia. Last evaluated: 2026-01-28. Review status: criteria provided, single submitter. Criteria: Invitae Variant Classification Sherloc (09022015). Collection method: clinical testing. Allele origin: germline.

Fulgent Genetics
Classification: Likely benign for Fanconi anemia complementation group L. Last evaluated: 2021-08-10. Review status: criteria provided, single submitter. Criteria: ACMG Guidelines, 2015. Collection method: clinical testing. Allele origin: unknown.

Sema4
Classification: Likely benign for Fanconi anemia. Last evaluated: 2021-07-27. Review status: criteria provided, single submitter. Criteria: Sema4 Curation Guidelines. Collection method: curation. Allele origin: germline.

Genetic Services Laboratory, University of Chicago
Classification: Likely benign. Last evaluated: 2017-02-03. Review status: criteria provided, single submitter. Criteria: ACMG Guidelines, 2015. Collection method: clinical testing. Allele origin: germline. Affected: no.

GeneDx
Classification: Likely benign. Last evaluated: 2017-01-24. Review status: criteria provided, single submitter. Criteria: GeneDx Variant Classification (06012015). Collection method: clinical testing. Allele origin: germline. Affected: yes.
Comment: This variant is considered likely benign or benign based on one or more of the following criteria: it is a conservative change, it occurs at a poorly conserved position in the protein, it is predicted to be benign by multiple in silico algorithms, and/or has population frequency not consistent with disease.